The following is an entry in ClinVar:

NM_015450.3(POT1):c.1682A>G (p.Asp561Gly)

Gene: POT1 (protection of telomeres 1; minus strand). Cytogenetic location: 7q31.33.
Variant type: single nucleotide variant.
Coding change: c.1682A>G on transcript NM_015450.3 (MANE Select); coding-DNA position 1682, A replaced by G.
Protein change: p.Asp561Gly; replaces aspartic acid 561 with glycine.
Molecular consequence: missense variant. On other transcripts: non-coding transcript variant (3).
Genome position (GRCh38, 1-based): chr7:124,827,218, T>C on the plus strand (A>G on the coding strand, the complement: POT1 is on the minus strand). VCF-style: chr7-124827218-T-C. GRCh37 (hg19) VCF-style: chr7-124467272-T-C.
Other names: c.1289A>G, p.Asp430Gly (NM_001042594.2); short protein forms D561G, D430G.
Identifiers: ClinVar variation 1777935 (VCV001777935.7), dbSNP rs748490503, ClinGen allele CA4465022.

ClinVar aggregate classification (germline): Uncertain significance. Review status: criteria provided, multiple submitters, no conflicts (2 of 4 stars). 2 submissions from 2 submitters: Uncertain significance (2). Last evaluated 2024-10-09.

Conditions:
Tumor predisposition syndrome 3 (TPDS3). Also called: Glioma susceptibility 9; LONG TELOMERE SYNDROME, POT1-RELATED; POT1 Tumor Predisposition; Melanoma, cutaneous malignant, susceptibility to, 10. Identifiers: Orphanet 618, MedGen C4014476, MONDO:0014368, OMIM 615848.
Hereditary cancer-predisposing syndrome. Also called: Tumor predisposition; Neoplastic Syndromes, Hereditary; Hereditary Cancer Syndrome; Hereditary neoplastic syndrome. Identifiers: Orphanet 140162, MedGen C0027672, MeSH D009386, MONDO:0015356.

Allele frequency attached by ClinVar (database versions not stated): gnomAD exomes below 0.00001; ExAC 0.00001.
gnomAD v4.1: 2 of 1,503,374 alleles (0.00013%); highest among the groups gnomAD compares: Non-Finnish European, 0.000091%; no homozygotes.

Submissions (2):

Labcorp Genetics (formerly Invitae), Labcorp
Classification: Uncertain significance for Tumor predisposition syndrome 3. Last evaluated: 2024-10-09. Review status: criteria provided, single submitter. Criteria: Invitae Variant Classification Sherloc (09022015). Collection method: clinical testing. Allele origin: germline.
Comment: This sequence change replaces aspartic acid, which is acidic and polar, with glycine, which is neutral and non-polar, at codon 561 of the POT1 protein (p.Asp561Gly). The frequency data for this variant in the population databases is considered unreliable, as metrics indicate poor data quality at this position in the gnomAD database. This variant has not been reported in the literature in individuals affected with POT1-related conditions. ClinVar contains an entry for this variant (Variation ID: 1777935). Invitae Evidence Modeling of protein sequence and biophysical properties (such as structural, functional, and spatial information, amino acid conservation, physicochemical variation, residue mobility, and thermodynamic stability) indicates that this missense variant is not expected to disrupt POT1 protein function with a negative predictive value of 80%. In summary, the available evidence is currently insufficient to determine the role of this variant in disease. Therefore, it has been classified as a Variant of Uncertain Significance.

Ambry Genetics
Classification: Uncertain significance for Hereditary cancer-predisposing syndrome. Last evaluated: 2021-09-16. Review status: criteria provided, single submitter. Criteria: Ambry Variant Classification Scheme 2023. Collection method: clinical testing. Allele origin: germline.
Comment: The p.D561G variant (also known as c.1682A>G), located in coding exon 13 of the POT1 gene, results from an A to G substitution at nucleotide position 1682. The aspartic acid at codon 561 is replaced by glycine, an amino acid with similar properties. This amino acid position is highly conserved in available vertebrate species. In addition, the in silico prediction for this alteration is inconclusive. Since supporting evidence is limited at this time, the clinical significance of this alteration remains unclear.